The following is an entry in ClinVar:

NM_000186.4(CFH):c.3499T>C (p.Cys1167Arg)

Gene: CFH (complement factor H; plus strand). Cytogenetic location: 1q31.3.
Variant type: single nucleotide variant.
Coding change: c.3499T>C on transcript NM_000186.4 (MANE Select); coding-DNA position 3499, T replaced by C.
Protein change: p.Cys1167Arg; replaces cysteine 1167 with arginine.
Molecular consequence: missense variant.
Genome position (GRCh38, 1-based): chr1:196,747,116, T>C. VCF-style: chr1-196747116-T-C. GRCh37 (hg19) VCF-style: chr1-196716246-T-C.
Other names: short protein forms C1167R.
Identifiers: ClinVar variation 4976857 (VCV004976857.1).

ClinVar aggregate classification (germline): Uncertain significance (1 of 4 stars; one submission).

Conditions:
Age related macular degeneration 4. Identifiers: MedGen C1853147, MONDO:0012540, OMIM 610698.
Atypical hemolytic-uremic syndrome. Identifiers: Orphanet 2134, MedGen C2931788, MONDO:0016244.
Basal laminar drusen. Also called: DRUSEN OF BRUCH MEMBRANE; DRUSEN, CUTICULAR; DRUSEN, EARLY ADULT-ONSET, GROUPED. Identifiers: Orphanet 75376, MedGen C0730295, MONDO:0007472, OMIM 126700.
Factor H deficiency (CFHD). Also called: COMPLEMENT FACTOR H DEFICIENCY; CFH DEFICIENCY. Identifiers: Orphanet 200421, MedGen C0398777, MONDO:0012350, OMIM 609814.

gnomAD v4.1: 1 of 1,613,722 alleles (0.000062%); highest among the groups gnomAD compares: Non-Finnish European, 0.000085%; no homozygotes.

Submission:

Genomenon, Inc
Classification: Uncertain significance for Age related macular degeneration 4; Atypical hemolytic-uremic syndrome; Factor H deficiency; Basal laminar drusen. Last evaluated: 2026-09-17. Review status: criteria provided, single submitter. Criteria: Genomenon Sequence Variant Interpretation Standards - Updated. Collection method: curation. Allele origin: germline. Affected: no.
Comment: CFH p.Cys1167Arg (c.3499T>C) is a missense variant that changes the amino acid at codon 1167 from cysteine to arginine. This variant has been reported in the published literature (PMID: 39614881). It is absent or not present at a significant frequency in gnomAD. In silico models predict that this variant is possibly or probably damaging. In conclusion, we classify CFH p.Cys1167Arg (c.3499T>C) as a variant of uncertain significance.

Literature cited by the submitters: PubMed 39614881.